The following is an entry in ClinVar:

ClinVar aggregate classification (germline): Pathogenic (1 of 4 stars; one submission).

Conditions:
Mucolipidosis type IV (ML4). Also called: ML IV. Identifiers: Orphanet 578, MedGen C0238286, MONDO:0009653, OMIM 252650.

Allele frequency attached by ClinVar (database versions not stated): gnomAD exomes below 0.00001; TOPMed below 0.00001; gnomAD 0.00001.

Submission:

Labcorp Genetics (formerly Invitae), Labcorp
Classification: Pathogenic for Mucolipidosis type IV. Last evaluated: 2024-01-11. Review status: criteria provided, single submitter. Criteria: Invitae Variant Classification Sherloc (09022015). Collection method: clinical testing. Allele origin: germline.
Comment: This sequence change creates a premature translational stop signal (p.Tyr149Leufs*7) in the MCOLN1 gene. It is expected to result in an absent or disrupted protein product. Loss-of-function variants in MCOLN1 are known to be pathogenic (PMID: 11030752, 11317355, 37972748). This variant is present in population databases (no rsID available, gnomAD 0.003%). This variant has not been reported in the literature in individuals affected with MCOLN1-related conditions. ClinVar contains an entry for this variant (Variation ID: 661439). For these reasons, this variant has been classified as Pathogenic.

Literature cited by the submitters: PubMed 11030752; PubMed 11317355; PubMed 37972748.

NM_020533.3(MCOLN1):c.445dup (p.Tyr149fs)

Gene: MCOLN1 (mucolipin TRP cation channel 1; plus strand). Cytogenetic location: 19p13.2.
Variant type: Duplication.
Coding change: c.445dup on transcript NM_020533.3 (MANE Select); coding-DNA position 445, one base duplicated (T; older notation c.445dupT).
Protein change: p.Tyr149fs; shifts the reading frame from tyrosine 149.
Molecular consequence: frameshift variant.
Genome position (GRCh38, 1-based): chr19:7,526,800, T duplicated. VCF-style (leftmost placement, unchanged base first): chr19-7526799-G-GT. GRCh37 (hg19) VCF-style: chr19-7591685-G-GT.
Other names: c.445dupT (NM_020533.2); short protein forms Y149fs.
Identifiers: ClinVar variation 661439 (VCV000661439.6), dbSNP rs1568398702, ClinGen allele CA631462802.